The following is an entry in ClinVar:

ClinVar aggregate classification (germline): Likely pathogenic (1 of 4 stars; one submission).

Submission:

GeneDx
Classification: Likely pathogenic. Last evaluated: 2023-11-08. Review status: criteria provided, single submitter. Criteria: GeneDx Variant Classification Process June 2021. Collection method: clinical testing. Allele origin: germline. Affected: yes.
Comment: Not observed at significant frequency in large population cohorts (gnomAD); In silico analysis supports that this missense variant has a deleterious effect on protein structure/function; Has not been previously published as pathogenic or benign to our knowledge

NM_001069.3(TUBB2A):c.518C>G (p.Pro173Arg)

Gene: TUBB2A (tubulin beta 2A class IIa; minus strand). Cytogenetic location: 6p25.2.
Variant type: single nucleotide variant.
Coding change: c.518C>G on transcript NM_001069.3 (MANE Select); coding-DNA position 518, C replaced by G.
Protein change: p.Pro173Arg; replaces proline 173 with arginine.
Molecular consequence: missense variant.
Genome position (GRCh38, 1-based): chr6:3,154,683, G>C on the plus strand (C>G on the coding strand, the complement: TUBB2A is on the minus strand). VCF-style: chr6-3154683-G-C. GRCh37 (hg19) VCF-style: chr6-3154917-G-C.
Other names: c.263C>G, p.Pro88Arg (NM_001310315.2); short protein forms P173R, P88R.
Identifiers: ClinVar variation 3363701 (VCV003363701.1).